The following is an entry in ClinVar:

ClinVar aggregate classification (germline): Benign. Review status: criteria provided, multiple submitters, no conflicts (2 of 4 stars). 4 submissions from 4 submitters: Benign (3). 1 of the submissions does not count toward it. Last evaluated 2024-11-27.

Conditions:
Intellectual developmental disorder, autosomal recessive 71. Also called: MENTAL RETARDATION, AUTOSOMAL RECESSIVE 71. Identifiers: MedGen C5193133, MONDO:0032789, OMIM 618504.
ALKBH8-related disorder. Also called: ALKBH8-related condition.

Allele frequency attached by ClinVar (database versions not stated): ESP Exome Variant Server 0.22799; gnomAD 0.24106 and 0.25087; TOPMed 0.24160; 1000 Genomes Project 30x 0.29154; 1000 Genomes Project 0.29553.
gnomAD v4.1: 446,225 of 1,540,458 alleles (29%); highest among the groups gnomAD compares: East Asian, 49%; 68,065 homozygotes.

Submissions (12):

Blueprint Genetics
Classification: Benign. Last evaluated: 2024-11-27. Review status: criteria provided, single submitter. Criteria: ACMG Guidelines, 2015. Collection method: clinical testing. Allele origin: germline.

Genome-Nilou Lab
Classification: Benign for Intellectual developmental disorder, autosomal recessive 71. Last evaluated: 2021-07-14. Review status: criteria provided, single submitter. Criteria: ACMG Guidelines, 2015. Collection method: clinical testing. Allele origin: germline. Affected: no.

Breakthrough Genomics
Classification: Benign. Review status: criteria provided, single submitter. Criteria: ACMG Guidelines, 2015. Collection method: not provided. Allele origin: germline. Inheritance: Autosomal recessive inheritance. Affected: yes.

PreventionGenetics, part of Exact Sciences
Classification: Benign for ALKBH8-related condition. Last evaluated: 2019-10-31. Review status: no assertion criteria provided. Collection method: clinical testing. Allele origin: germline. Not counted in ClinVar's aggregate classification.
Comment: This variant is classified as benign based on ACMG/AMP sequence variant interpretation guidelines (Richards et al. 2015 PMID: 25741868, with internal and published modifications).

Dr. Peter K. Rogan Lab, Western University
No classification provided (evidence only). Condition: Lung cancer. Review status: no classification provided. Collection method: in vitro. Allele origin: not applicable. Functional consequence: retained intron. Not counted in ClinVar's aggregate classification.

Dr. Peter K. Rogan Lab, Western University
No classification provided (evidence only). Condition: Lung cancer. Review status: no classification provided. Collection method: in vitro. Allele origin: not applicable. Functional consequence: retained intron. Not counted in ClinVar's aggregate classification.

Dr. Peter K. Rogan Lab, Western University
No classification provided (evidence only). Condition: Lung cancer. Review status: no classification provided. Collection method: in vitro. Allele origin: not applicable. Functional consequence: retained intron. Not counted in ClinVar's aggregate classification.

Dr. Peter K. Rogan Lab, Western University
No classification provided (evidence only). Condition: Lung cancer. Review status: no classification provided. Collection method: in vitro. Allele origin: not applicable. Functional consequence: retained intron. Not counted in ClinVar's aggregate classification.

Dr. Peter K. Rogan Lab, Western University
No classification provided (evidence only). Condition: Hepatocellular carcinoma. Review status: no classification provided. Collection method: in vitro. Allele origin: not applicable. Functional consequence: retained intron. Not counted in ClinVar's aggregate classification.

Dr. Peter K. Rogan Lab, Western University
No classification provided (evidence only). Condition: Ovarian serous cystadenocarcinoma. Review status: no classification provided. Collection method: in vitro. Allele origin: not applicable. Functional consequence: retained intron. Not counted in ClinVar's aggregate classification.

Dr. Peter K. Rogan Lab, Western University
No classification provided (evidence only). Condition: Ovarian serous cystadenocarcinoma. Review status: no classification provided. Collection method: in vitro. Allele origin: not applicable. Functional consequence: retained intron. Not counted in ClinVar's aggregate classification.

Dr. Peter K. Rogan Lab, Western University
No classification provided (evidence only). Condition: Ovarian serous cystadenocarcinoma. Review status: no classification provided. Collection method: in vitro. Allele origin: not applicable. Functional consequence: retained intron. Not counted in ClinVar's aggregate classification.

NM_138775.3(ALKBH8):c.1030+9A>G

Gene: ALKBH8 (alkB homolog 8, tRNA methyltransferase; minus strand). Cytogenetic location: 11q22.3.
Variant type: single nucleotide variant.
Coding change: c.1030+9A>G on transcript NM_138775.3 (MANE Select); 9 bases into the intron after coding-DNA position 1030, A replaced by G.
Molecular consequence: intron variant.
Genome position (GRCh38, 1-based): chr11:107,525,432, T>C on the plus strand (A>G on the coding strand, the complement: ALKBH8 is on the minus strand). VCF-style: chr11-107525432-T-C. GRCh37 (hg19) VCF-style: chr11-107396158-T-C.
Other names: NC_000011.9:g.107396158T>C; c.1039+9A>G (NM_001301010.1); c.1030+9A>G (NM_001378133.1, NM_001301010.3).
Identifiers: ClinVar variation 1188966 (VCV001188966.8), dbSNP rs12574614, ClinGen allele CA6261077.